The following is an entry in ClinVar:

NC_000017.10:g.(?_29701011)_(29701173_?)dup

Gene: NF1 (neurofibromin 1; plus strand). Cytogenetic location: 17q11.2.
Variant type: Duplication.
Identifiers: ClinVar variation 3242891 (VCV003242891.1).

ClinVar aggregate classification (germline): Uncertain significance (1 of 4 stars; one submission).

Conditions:
Neurofibromatosis, type 1 (NF1). Also called: VON RECKLINGHAUSEN DISEASE; Neurofibromatosis, type I; Peripheral type neurofibromatosis; NEUROFIBROMATOSIS, TYPE I, SOMATIC. Identifiers: Orphanet 636, MedGen C0027831, MONDO:0018975, OMIM 162200. Disease mechanism: loss of function.

Submission:

Labcorp Genetics (formerly Invitae), Labcorp
Classification: Uncertain significance for Neurofibromatosis, type 1. Last evaluated: 2024-01-02. Review status: criteria provided, single submitter. Criteria: Invitae Variant Classification Sherloc (09022015). Collection method: clinical testing. Allele origin: unknown.
Comment: This variant results in a copy number gain of the genomic region encompassing exon(s) 57 of the NF1 gene. This region includes the termination codon of the gene. This copy number gain extends beyond the assayed region for this gene and therefore may encompass additional genes. As the precise location of this event is unknown, it may be in tandem or it may be located elsewhere in the genome. This variant has not been reported in the literature in individuals affected with NF1-related conditions. Experimental studies and prediction algorithms are not available or were not evaluated, and the functional significance of this variant is currently unknown. In summary, the available evidence is currently insufficient to determine the role of this variant in disease. Therefore, it has been classified as a Variant of Uncertain Significance.